The following is an entry in ClinVar:

ClinVar aggregate classification (germline): Uncertain significance (1 of 4 stars; one submission).

Conditions:
Curry-Hall syndrome (WAD). Also called: WEYERS ACRODENTAL DYSOSTOSIS. Identifiers: Orphanet 952, MedGen C0457013, MONDO:0008673, OMIM 193530.
Ellis-van Creveld syndrome (EVC). Also called: EVC-Related Ellis-van Creveld Syndrome; EVC2-Related Ellis-van Creveld Syndrome; MESOECTODERMAL DYSPLASIA; Chondroectodermal dysplasia. Identifiers: Orphanet 289, MedGen C0013903, MONDO:0009162, OMIM 225500.

gnomAD v4.1: 4 of 1,614,138 alleles (0.00025%); highest among the groups gnomAD compares: Non-Finnish European, 0.00034%; no homozygotes.

Submission:

Labcorp Genetics (formerly Invitae), Labcorp
Classification: Uncertain significance for Curry-Hall syndrome; Ellis-van Creveld syndrome. Last evaluated: 2024-12-16. Review status: criteria provided, single submitter. Criteria: Invitae Variant Classification Sherloc (09022015). Collection method: clinical testing. Allele origin: germline.
Comment: This sequence change replaces arginine, which is basic and polar, with proline, which is neutral and non-polar, at codon 340 of the EVC protein (p.Arg340Pro). This variant is not present in population databases (gnomAD no frequency). This variant has not been reported in the literature in individuals affected with EVC-related conditions. Invitae Evidence Modeling of protein sequence and biophysical properties (such as structural, functional, and spatial information, amino acid conservation, physicochemical variation, residue mobility, and thermodynamic stability) has been performed for this missense variant. However, the output from this modeling did not meet the statistical confidence thresholds required to predict the impact of this variant on EVC protein function. In summary, the available evidence is currently insufficient to determine the role of this variant in disease. Therefore, it has been classified as a Variant of Uncertain Significance.

NM_153717.3(EVC):c.1019G>C (p.Arg340Pro)

Gene: EVC (EvC ciliary complex subunit 1; plus strand). Cytogenetic location: 4p16.2.
Variant type: single nucleotide variant.
Coding change: c.1019G>C on transcript NM_153717.3 (MANE Select); coding-DNA position 1019, G replaced by C.
Protein change: p.Arg340Pro; replaces arginine 340 with proline.
Molecular consequence: missense variant.
Genome position (GRCh38, 1-based): chr4:5,748,227, G>C. VCF-style: chr4-5748227-G-C. GRCh37 (hg19) VCF-style: chr4-5749954-G-C.
Other names: c.1019G>C, p.Arg340Pro (NM_001306090.2, NM_001306092.2); short protein forms R340P.
Identifiers: ClinVar variation 3762898 (VCV003762898.2).
Genomic context (GRCh38, chr4:5,748,227, plus strand): 5'-AGATGGCAAATATCCAGCACTTTCTTGTGGACCAGTTTAAGTGTTCCAGCTCCAAAGCCC[G>C]ACAGCTGATGATGACTCTGACGGAAAGAATGATTGCAGCCGAAGGGCTATTGTGCGATTC-3'
Protein context (NP_714928.1, residues 330-350): DQFKCSSSKA[Arg340Pro]QLMMTLTERM